The following is an entry in ClinVar:

NM_003978.5(PSTPIP1):c.59C>T (p.Thr20Met)

Gene: PSTPIP1 (proline-serine-threonine phosphatase interacting protein 1; plus strand). Cytogenetic location: 15q24.3.
Variant type: single nucleotide variant.
Coding change: c.59C>T on transcript NM_003978.5 (MANE Select); coding-DNA position 59, C replaced by T.
Protein change: p.Thr20Met; replaces threonine 20 with methionine.
Molecular consequence: missense variant. On other transcripts: non-coding transcript variant (1).
Genome position (GRCh38, 1-based): chr15:77,018,170, C>T. VCF-style: chr15-77018170-C-T. GRCh37 (hg19) VCF-style: chr15-77310511-C-T.
Other names: c.59C>T, p.Thr20Met (NM_001321135.2); c.32C>T, p.Thr11Met (NM_001321136.2); c.254C>T, p.Thr85Met (NM_001321137.1); short protein forms T20M, T11M, T85M.
Identifiers: ClinVar variation 317170 (VCV000317170.18), dbSNP rs553718554, ClinGen allele CA7675689.

ClinVar aggregate classification (germline): Conflicting classifications of pathogenicity. Review status: criteria provided, conflicting classifications (1 of 4 stars). 4 submissions from 4 submitters: Uncertain significance (3); Likely benign (1). Last evaluated 2025-12-30.

Conditions:
Autoinflammatory syndrome. Identifiers: Orphanet 93665, MedGen C3890737, MONDO:0019751.
Pyogenic arthritis-pyoderma gangrenosum-acne syndrome (PAPA). Also called: FAMILIAL RECURRENT ARTHRITIS; PAPA SYNDROME. Identifiers: Orphanet 69126, MedGen C1858361, MONDO:0011462, OMIM 604416.

Allele frequency attached by ClinVar (database versions not stated): TOPMed 0.00005; 1000 Genomes Project 0.00040; 1000 Genomes Project 30x 0.00047.
gnomAD v4.1: 107 of 1,586,858 alleles (0.0067%); highest among the groups gnomAD compares: Middle Eastern, 0.033%; no homozygotes.

Submissions (4):

Labcorp Genetics (formerly Invitae), Labcorp
Classification: Uncertain significance for Pyogenic arthritis-pyoderma gangrenosum-acne syndrome. Last evaluated: 2025-12-30. Review status: criteria provided, single submitter. Criteria: Invitae Variant Classification Sherloc (09022015). Collection method: clinical testing. Allele origin: germline.
Comment: This sequence change replaces threonine, which is neutral and polar, with methionine, which is neutral and non-polar, at codon 20 of the PSTPIP1 protein (p.Thr20Met). The frequency data for this variant in the population databases is considered unreliable, as metrics indicate poor data quality at this position in the gnomAD database. This missense change has been observed in individual(s) with PSTPIP1-related conditions (PMID: 35482138). ClinVar contains an entry for this variant (Variation ID: 317170). Invitae Evidence Modeling of protein sequence and biophysical properties (such as structural, functional, and spatial information, amino acid conservation, physicochemical variation, residue mobility, and thermodynamic stability) indicates that this missense variant is not expected to disrupt PSTPIP1 protein function with a negative predictive value of 80%. In summary, the available evidence is currently insufficient to determine the role of this variant in disease. Therefore, it has been classified as a Variant of Uncertain Significance.

GeneDx
Classification: Uncertain significance. Last evaluated: 2025-03-27. Review status: criteria provided, single submitter. Criteria: GeneDx Variant Classification Process June 2021. Collection method: clinical testing. Allele origin: germline. Affected: yes.
Comment: In silico analysis indicates that this missense variant does not alter protein structure/function; This variant is associated with the following publications: (PMID: 35482138)

Genome Diagnostics Laboratory, The Hospital for Sick Children
Classification: Uncertain significance for Autoinflammatory syndrome. Last evaluated: 2019-02-01. Review status: criteria provided, single submitter. Criteria: ACMG Guidelines, 2015. Collection method: clinical testing. Allele origin: germline. Affected: yes.

Illumina Laboratory Services, Illumina
Classification: Likely benign for Pyogenic arthritis-pyoderma gangrenosum-acne syndrome. Last evaluated: 2017-04-28. Review status: criteria provided, single submitter. Criteria: ICSL Variant Classification Criteria 13 December 2019. Collection method: clinical testing. Allele origin: germline.
Comment: This variant was observed as part of a predisposition screen in an ostensibly healthy population. A literature search was performed for the gene, cDNA change, and amino acid change (where applicable). No publications were found based on this search. Allele frequency data from public databases allowed determination this variant is unlikely to cause disease. Therefore, this variant is classified as likely benign.

Literature cited by the submitters: PubMed 35482138 (cited by Labcorp Genetics (formerly Invitae), Labcorp).